The following is an entry in ClinVar:

NM_001430.5(EPAS1):c.2270G>A (p.Ser757Asn)

Gene: EPAS1 (endothelial PAS domain protein 1; plus strand). Cytogenetic location: 2p21.
Variant type: single nucleotide variant.
Coding change: c.2270G>A on transcript NM_001430.5 (MANE Select); coding-DNA position 2270, G replaced by A.
Protein change: p.Ser757Asn; replaces serine 757 with asparagine.
Molecular consequence: missense variant.
Genome position (GRCh38, 1-based): chr2:46,382,072, G>A. VCF-style: chr2-46382072-G-A. GRCh37 (hg19) VCF-style: chr2-46609211-G-A.
Other names: short protein forms S757N.
Identifiers: ClinVar variation 2456470 (VCV002456470.2), dbSNP rs1031815142, ClinGen allele CA46568778.

ClinVar aggregate classification (germline): Uncertain significance (1 of 4 stars; one submission).

Conditions:
Inborn genetic diseases. Identifiers: MedGen C0950123, MeSH D030342.

Allele frequency attached by ClinVar (database versions not stated): TOPMed below 0.00001; gnomAD 0.00001; gnomAD exomes 0.00001.
gnomAD v4.1: 11 of 1,613,878 alleles (0.00068%); highest among the groups gnomAD compares: Non-Finnish European, 0.00076%; no homozygotes.

Submission:

Ambry Genetics
Classification: Uncertain significance for Inborn genetic diseases. Last evaluated: 2023-02-12. Review status: criteria provided, single submitter. Criteria: Ambry Variant Classification Scheme 2023. Collection method: clinical testing. Allele origin: germline.
Comment: The p.S757N variant (also known as c.2270G>A), located in coding exon 14 of the EPAS1 gene, results from a G to A substitution at nucleotide position 2270. The serine at codon 757 is replaced by asparagine, an amino acid with highly similar properties. This amino acid position is conserved. In addition, this alteration is predicted to be tolerated by in silico analysis. Since supporting evidence is limited at this time, the clinical significance of this alteration remains unclear.